The following is an entry in ClinVar:

NM_017636.4(TRPM4):c.2311C>T (p.Arg771Cys)

Gene: TRPM4 (transient receptor potential cation channel subfamily M member 4; plus strand). Cytogenetic location: 19q13.33.
Variant type: single nucleotide variant.
Coding change: c.2311C>T on transcript NM_017636.4 (MANE Select); coding-DNA position 2311, C replaced by T.
Protein change: p.Arg771Cys; replaces arginine 771 with cysteine.
Molecular consequence: missense variant. On other transcripts: intron variant (1).
Genome position (GRCh38, 1-based): chr19:49,196,540, C>T. VCF-style: chr19-49196540-C-T. GRCh37 (hg19) VCF-style: chr19-49699797-C-T.
Other names: c.1966C>T, p.Arg656Cys (NM_001321281.2); c.703C>T, p.Arg235Cys (NM_001321282.2); c.1789C>T, p.Arg597Cys (NM_001321283.2); c.1249C>T, p.Arg417Cys (NM_001321285.2); c.2211-3760C>T (NM_001195227.2); c.2311C>T (NM_017636.3); short protein forms R235C, R597C, R771C, R417C, R656C.
Identifiers: ClinVar variation 1397778 (VCV001397778.7), dbSNP rs866506238, ClinGen allele CA309455096.

ClinVar aggregate classification (germline): Uncertain significance. Review status: criteria provided, multiple submitters, no conflicts (2 of 4 stars). 2 submissions from 2 submitters: Uncertain significance (2). Last evaluated 2025-12-23.

Conditions:
Progressive familial heart block type IB (PFHB1B). Identifiers: Orphanet 871, MedGen C1970298, MONDO:0011474, OMIM 604559.

gnomAD v4.1: 7 of 1,554,730 alleles (0.00045%); highest among the groups gnomAD compares: African/African-American, 0.0027%; no homozygotes.

Submissions (2):

Labcorp Genetics (formerly Invitae), Labcorp
Classification: Uncertain significance for Progressive familial heart block type IB. Last evaluated: 2025-12-23. Review status: criteria provided, single submitter. Criteria: Invitae Variant Classification Sherloc (09022015). Collection method: clinical testing. Allele origin: germline.
Comment: This sequence change replaces arginine, which is basic and polar, with cysteine, which is neutral and slightly polar, at codon 771 of the TRPM4 protein (p.Arg771Cys). This variant is not present in population databases (gnomAD no frequency). This variant has not been reported in the literature in individuals affected with TRPM4-related conditions. ClinVar contains an entry for this variant (Variation ID: 1397778). An algorithm developed to predict the effect of missense changes on protein structure and function (PolyPhen-2) suggests that this variant is likely to be tolerated. In summary, the available evidence is currently insufficient to determine the role of this variant in disease. Therefore, it has been classified as a Variant of Uncertain Significance.

GeneDx
Classification: Uncertain significance. Last evaluated: 2024-02-16. Review status: criteria provided, single submitter. Criteria: GeneDx Variant Classification Process June 2021. Collection method: clinical testing. Allele origin: germline. Affected: yes.
Comment: Not observed at significant frequency in large population cohorts (gnomAD); In silico analysis supports that this missense variant has a deleterious effect on protein structure/function; Has not been previously published as pathogenic or benign to our knowledge